The following is an entry in ClinVar:

NM_001164688.2(RD3):c.545G>T (p.Arg182Leu)

Gene: RD3 (RD3 regulator of GUCY2D; minus strand). Cytogenetic location: 1q32.3.
Variant type: single nucleotide variant.
Coding change: c.545G>T on transcript NM_001164688.2 (MANE Select); coding-DNA position 545, G replaced by T.
Protein change: p.Arg182Leu; replaces arginine 182 with leucine.
Molecular consequence: missense variant.
Genome position (GRCh38, 1-based): chr1:211,479,079, C>A on the plus strand (G>T on the coding strand, the complement: RD3 is on the minus strand). VCF-style: chr1-211479079-C-A. GRCh37 (hg19) VCF-style: chr1-211652421-C-A.
Other names: c.545G>T, p.Arg182Leu (NM_183059.3); short protein forms R182L.
Identifiers: ClinVar variation 1425041 (VCV001425041.4), dbSNP rs747890482, ClinGen allele CA344878611.
Genomic context (GRCh38, chr1:211,479,079, plus strand): 5'-CAGGGAAGCGGCCGGGGTCAGTCGGCTTTGGGCGCCCGGAATTCGGGCATGCTCCAGGAC[C>A]GCAGTGGCGGCGGTGTGTCCCGCTCCACGTCCTCGGAGATGGTCCTGATGTCGCTGGCGA-3'
Protein context (NP_001158160.1, residues 172-192): DVERDTPPPL[Arg182Leu]SWSMPEFRAP

ClinVar aggregate classification (germline): Uncertain significance (1 of 4 stars; one submission).

Conditions:
Leber congenital amaurosis 12 (LCA12). Identifiers: Orphanet 65, MedGen C1857743, MONDO:0012525, OMIM 610612.

Submission:

Labcorp Genetics (formerly Invitae), Labcorp
Classification: Uncertain significance for Leber congenital amaurosis 12. Last evaluated: 2023-07-10. Review status: criteria provided, single submitter. Criteria: Invitae Variant Classification Sherloc (09022015). Collection method: clinical testing. Allele origin: germline.
Comment: An algorithm developed to predict the effect of missense changes on protein structure and function (PolyPhen-2) suggests that this variant is likely to be disruptive. This sequence change replaces arginine, which is basic and polar, with leucine, which is neutral and non-polar, at codon 182 of the RD3 protein (p.Arg182Leu). This variant is not present in population databases (gnomAD no frequency). This variant has not been reported in the literature in individuals affected with RD3-related conditions. ClinVar contains an entry for this variant (Variation ID: 1425041). In summary, the available evidence is currently insufficient to determine the role of this variant in disease. Therefore, it has been classified as a Variant of Uncertain Significance.